The following is an entry in ClinVar:

NM_001101362.3(KBTBD13):c.512A>C (p.Glu171Ala)

Gene: KBTBD13 (kelch repeat and BTB domain containing 13; plus strand). Cytogenetic location: 15q22.31.
Variant type: single nucleotide variant.
Coding change: c.512A>C on transcript NM_001101362.3 (MANE Select); coding-DNA position 512, A replaced by C.
Protein change: p.Glu171Ala; replaces glutamic acid 171 with alanine.
Molecular consequence: missense variant.
Genome position (GRCh38, 1-based): chr15:65,077,327, A>C. VCF-style: chr15-65077327-A-C. GRCh37 (hg19) VCF-style: chr15-65369665-A-C.
Other names: short protein forms E171A.
Identifiers: ClinVar variation 3679903 (VCV003679903.2).

ClinVar aggregate classification (germline): Uncertain significance (1 of 4 stars; one submission).

Conditions:
Nemaline myopathy 6 (NEM6). Also called: Nemaline myopathy 6, autosomal dominant. Identifiers: Orphanet 171439, MedGen C1836472, MONDO:0012237, OMIM 609273.

Submission:

Labcorp Genetics (formerly Invitae), Labcorp
Classification: Uncertain significance for Nemaline myopathy 6. Last evaluated: 2025-01-28. Review status: criteria provided, single submitter. Criteria: Invitae Variant Classification Sherloc (09022015). Collection method: clinical testing. Allele origin: germline.
Comment: This sequence change replaces glutamic acid, which is acidic and polar, with alanine, which is neutral and non-polar, at codon 171 of the KBTBD13 protein (p.Glu171Ala). This variant is not present in population databases (gnomAD no frequency). This variant has not been reported in the literature in individuals affected with KBTBD13-related conditions. Invitae Evidence Modeling of protein sequence and biophysical properties (such as structural, functional, and spatial information, amino acid conservation, physicochemical variation, residue mobility, and thermodynamic stability) indicates that this missense variant is not expected to disrupt KBTBD13 protein function with a negative predictive value of 80%. In summary, the available evidence is currently insufficient to determine the role of this variant in disease. Therefore, it has been classified as a Variant of Uncertain Significance.